The following is an entry in ClinVar:

ClinVar aggregate classification (germline): Uncertain significance (1 of 4 stars; one submission).

gnomAD v4.1: 2 of 1,612,568 alleles (0.00012%); highest among the groups gnomAD compares: African/African-American, 0.0013%; no homozygotes.

Submission:

GeneDx
Classification: Uncertain significance. Last evaluated: 2024-06-11. Review status: criteria provided, single submitter. Criteria: GeneDx Variant Classification Process June 2021. Collection method: clinical testing. Allele origin: germline. Affected: yes.
Comment: Not observed at significant frequency in large population cohorts (gnomAD); In silico analysis supports that this missense variant has a deleterious effect on protein structure/function; Has not been previously published as pathogenic or benign to our knowledge

NM_015465.5(GEMIN5):c.755G>C (p.Arg252Pro)

Gene: GEMIN5 (gem nuclear organelle associated protein 5; minus strand). Cytogenetic location: 5q33.2.
Variant type: single nucleotide variant.
Coding change: c.755G>C on transcript NM_015465.5 (MANE Select); coding-DNA position 755, G replaced by C.
Protein change: p.Arg252Pro; replaces arginine 252 with proline.
Molecular consequence: missense variant.
Genome position (GRCh38, 1-based): chr5:154,931,484, C>G on the plus strand (G>C on the coding strand, the complement: GEMIN5 is on the minus strand). VCF-style: chr5-154931484-C-G. GRCh37 (hg19) VCF-style: chr5-154311044-C-G.
Other names: c.752G>C, p.Arg251Pro (NM_001252156.2); short protein forms R251P, R252P.
Identifiers: ClinVar variation 3390793 (VCV003390793.1).